The following is an entry in ClinVar:

NM_000629.3(IFNAR1):c.86A>G (p.Asn29Ser)

Gene: IFNAR1 (interferon alpha and beta receptor subunit 1; plus strand). Cytogenetic location: 21q22.11.
Variant type: single nucleotide variant.
Coding change: c.86A>G on transcript NM_000629.3 (MANE Select); coding-DNA position 86, A replaced by G.
Protein change: p.Asn29Ser; replaces asparagine 29 with serine.
Molecular consequence: missense variant. On other transcripts: 5 prime UTR variant (3).
Genome position (GRCh38, 1-based): chr21:33,335,533, A>G. VCF-style: chr21-33335533-A-G. GRCh37 (hg19) VCF-style: chr21-34707839-A-G.
Other names: c.86A>G, p.Asn29Ser (NM_001384498.1, NM_001384499.1, NM_001384501.1 and 1 more transcripts); c.-701A>G (NM_001384500.1); c.-298A>G (NM_001384502.1); c.-122A>G (NM_001384504.1); short protein forms N29S.
Identifiers: ClinVar variation 1467748 (VCV001467748.8), dbSNP rs2123668473, ClinGen allele CA410105919.
Genomic context (GRCh38, chr21:33,335,533, plus strand): 5'-AATATCTGTACAGTTTGTATATAATGTTCTTATTTCTTGTTGCTTTTATAGGTGGAAAAA[A>G]TCTAAAATCTCCTCAAAAAGTAGAGGTCGACATCATAGATGACAACTTTATCCTGAGGTG-3'
Protein context (NP_000620.2, residues 19-39): WVLSAAAGGK[Asn29Ser]LKSPQKVEVD

ClinVar aggregate classification (germline): Uncertain significance (1 of 4 stars; one submission).

Submission:

Labcorp Genetics (formerly Invitae), Labcorp
Classification: Uncertain significance. Last evaluated: 2021-02-18. Review status: criteria provided, single submitter. Criteria: Invitae Variant Classification Sherloc (09022015). Collection method: clinical testing. Allele origin: germline.
Comment: This variant has not been reported in the literature in individuals with IFNAR1-related conditions. This variant is not present in population databases (ExAC no frequency). This sequence change replaces asparagine with serine at codon 29 of the IFNAR1 protein (p.Asn29Ser). The asparagine residue is highly conserved and there is a small physicochemical difference between asparagine and serine. In summary, the available evidence is currently insufficient to determine the role of this variant in disease. Therefore, it has been classified as a Variant of Uncertain Significance. Algorithms developed to predict the effect of missense changes on protein structure and function output the following: SIFT: "Tolerated"; PolyPhen-2: "Benign"; Align-GVGD: "Class C0". The serine amino acid residue is found in multiple mammalian species, suggesting that this missense change does not adversely affect protein function. These predictions have not been confirmed by published functional studies and their clinical significance is uncertain.